The following is an entry in ClinVar:

ClinVar aggregate classification (germline): Uncertain significance (1 of 4 stars; one submission).

Submission:

Labcorp Genetics (formerly Invitae), Labcorp
Classification: Uncertain significance. Last evaluated: 2023-08-21. Review status: criteria provided, single submitter. Criteria: Invitae Variant Classification Sherloc (09022015). Collection method: clinical testing. Allele origin: germline.
Comment: In summary, the available evidence is currently insufficient to determine the role of this variant in disease. Therefore, it has been classified as a Variant of Uncertain Significance. Advanced modeling of protein sequence and biophysical properties (such as structural, functional, and spatial information, amino acid conservation, physicochemical variation, residue mobility, and thermodynamic stability) performed at Invitae indicates that this missense variant is expected to disrupt SLC12A6 protein function. This variant has not been reported in the literature in individuals affected with SLC12A6-related conditions. This variant is not present in population databases (gnomAD no frequency). This sequence change replaces arginine, which is basic and polar, with tryptophan, which is neutral and slightly polar, at codon 1139 of the SLC12A6 protein (p.Arg1139Trp).

NM_001365088.1(SLC12A6):c.3415C>T (p.Arg1139Trp)

Gene: SLC12A6 (solute carrier family 12 member 6; minus strand). Cytogenetic location: 15q14.
Variant type: single nucleotide variant.
Coding change: c.3415C>T on transcript NM_001365088.1 (MANE Select); coding-DNA position 3415, C replaced by T.
Protein change: p.Arg1139Trp; replaces arginine 1139 with tryptophan.
Molecular consequence: missense variant.
Genome position (GRCh38, 1-based): chr15:34,233,919, G>A on the plus strand (C>T on the coding strand, the complement: SLC12A6 is on the minus strand). VCF-style: chr15-34233919-G-A. GRCh37 (hg19) VCF-style: chr15-34526120-G-A.
Other names: c.3238C>T, p.Arg1080Trp (NM_001042494.2, NM_001042495.2); c.3388C>T, p.Arg1130Trp (NM_001042496.2); c.3370C>T, p.Arg1124Trp (NM_001042497.2); c.3262C>T, p.Arg1088Trp (NM_005135.2); c.3415C>T, p.Arg1139Trp (NM_133647.2); short protein forms R1130W, R1124W, R1139W, R1080W, R1088W.
Identifiers: ClinVar variation 2839359 (VCV002839359.3), dbSNP rs1891082517, ClinGen allele CA391616878.